The following is an entry in ClinVar:

NM_000038.6(APC):c.3399T>A (p.Asp1133Glu)

Gene: APC (APC regulator of Wnt signaling pathway; plus strand). Cytogenetic location: 5q22.2.
Variant type: single nucleotide variant.
Coding change: c.3399T>A on transcript NM_000038.6 (MANE Select); coding-DNA position 3399, T replaced by A.
Protein change: p.Asp1133Glu; replaces aspartic acid 1133 with glutamic acid.
Molecular consequence: missense variant.
Genome position (GRCh38, 1-based): chr5:112,838,993, T>A. VCF-style: chr5-112838993-T-A. GRCh37 (hg19) VCF-style: chr5-112174690-T-A.
Other names: c.3399T>A, p.Asp1133Glu (NM_001127510.3, NM_001354895.2); c.3345T>A, p.Asp1115Glu (NM_001127511.3); c.3453T>A, p.Asp1151Glu (NM_001354896.2); c.3429T>A, p.Asp1143Glu (NM_001354897.2); c.3324T>A, p.Asp1108Glu (NM_001354898.2); c.3315T>A, p.Asp1105Glu (NM_001354899.2); c.3276T>A, p.Asp1092Glu (NM_001354900.2); c.3222T>A, p.Asp1074Glu (NM_001354901.2); and 5 more; short protein forms D1133E, D1115E, D1042E, D1074E, D850E, D1105E, D1143E, D1151E.
Identifiers: ClinVar variation 629106 (VCV000629106.11), dbSNP rs1561584518, ClinGen allele CA16028782.

ClinVar aggregate classification (germline): Uncertain significance. Review status: criteria provided, multiple submitters, no conflicts (2 of 4 stars). 2 submissions from 2 submitters: Uncertain significance (2). Last evaluated 2024-03-06.

Conditions:
Hereditary cancer-predisposing syndrome. Also called: Neoplastic Syndromes, Hereditary; Tumor predisposition; Hereditary neoplastic syndrome; Hereditary Cancer Syndrome. Identifiers: Orphanet 140162, MedGen C0027672, MeSH D009386, MONDO:0015356.
Familial adenomatous polyposis 1 (FAP1). Also called: POLYPOSIS, ADENOMATOUS INTESTINAL; FAMILIAL ADENOMATOUS POLYPOSIS 1, ATTENUATED. Identifiers: MedGen C2713442, MONDO:0021056, OMIM 175100. Disease mechanism: loss of function.

Allele frequency attached by ClinVar (database versions not stated): gnomAD exomes below 0.00001.
gnomAD v4.1: 1 of 1,614,090 alleles (0.000062%); highest among the groups gnomAD compares: Non-Finnish European, 0.000085%; no homozygotes.

Submissions (2):

Color Diagnostics, LLC DBA Color Health
Classification: Uncertain significance for Hereditary cancer-predisposing syndrome. Last evaluated: 2024-03-06. Review status: criteria provided, single submitter. Criteria: ACMG Guidelines, 2015. Collection method: clinical testing. Allele origin: germline.
Comment: This missense variant replaces aspartic acid with glutamic acid at codon 1133 of the APC protein. Computational prediction is inconclusive regarding the impact of this variant on protein structure and function (internally defined REVEL score threshold 0.5 < inconclusive < 0.7, PMID: 27666373). To our knowledge, functional studies have not been reported for this variant. This variant has not been reported in individuals affected with hereditary cancer in the literature. This variant has not been identified in the general population by the Genome Aggregation Database (gnomAD). The available evidence is insufficient to determine the role of this variant in disease conclusively. Therefore, this variant is classified as a Variant of Uncertain Significance.

Labcorp Genetics (formerly Invitae), Labcorp
Classification: Uncertain significance for Familial adenomatous polyposis 1. Last evaluated: 2022-10-15. Review status: criteria provided, single submitter. Criteria: Invitae Variant Classification Sherloc (09022015). Collection method: clinical testing. Allele origin: germline.
Comment: This variant is not present in population databases (gnomAD no frequency). This sequence change replaces aspartic acid, which is acidic and polar, with glutamic acid, which is acidic and polar, at codon 1133 of the APC protein (p.Asp1133Glu). ClinVar contains an entry for this variant (Variation ID: 629106). This variant has not been reported in the literature in individuals affected with APC-related conditions. In summary, the available evidence is currently insufficient to determine the role of this variant in disease. Therefore, it has been classified as a Variant of Uncertain Significance. Advanced modeling of protein sequence and biophysical properties (such as structural, functional, and spatial information, amino acid conservation, physicochemical variation, residue mobility, and thermodynamic stability) performed at Invitae indicates that this missense variant is not expected to disrupt APC protein function.